The following is an entry in ClinVar:

NM_007215.4(POLG2):c.578_579del (p.Tyr193fs)

Genes: MILR1 (mast cell immunoglobulin like receptor 1; plus strand), POLG2 (DNA polymerase gamma 2, accessory subunit; minus strand). Cytogenetic location: 17q23.3.
Variant type: Deletion.
Coding change: c.578_579del on transcript NM_007215.4 (MANE Select); coding-DNA positions 578 to 579, 2 bases deleted (AT; older notation c.578_579delAT).
Protein change: p.Tyr193fs; shifts the reading frame from tyrosine 193.
Molecular consequence: frameshift variant.
Genome position (GRCh38, 1-based): chr17:64,493,005-64,493,006, AT deleted on the plus strand (AT on the coding strand, the reverse complement: POLG2 is on the minus strand); deleting any 2 consecutive bases within chr17:64,493,005-64,493,007 gives the same sequence; the c. name uses the placement nearest the transcript's 3' end. VCF-style (leftmost placement, unchanged base first): chr17-64493004-CAT-C. GRCh37 (hg19) VCF-style: chr17-62489121-CAT-C.
Other names: short protein forms Y193fs.
Identifiers: ClinVar variation 1453764 (VCV001453764.6), dbSNP rs1285982890, ClinGen allele CA501458689.

ClinVar aggregate classification (germline): Pathogenic (1 of 4 stars; one submission).

Submission:

Labcorp Genetics (formerly Invitae), Labcorp
Classification: Pathogenic. Last evaluated: 2025-09-19. Review status: criteria provided, single submitter. Criteria: Invitae Variant Classification Sherloc (09022015). Collection method: clinical testing. Allele origin: germline.
Comment: This sequence change creates a premature translational stop signal (p.Tyr193Cysfs*2) in the POLG2 gene. It is expected to result in an absent or disrupted protein product. Loss-of-function variants in POLG2 are known to be pathogenic (PMID: 28078310, 29625556). This variant is present in population databases (no rsID available, gnomAD 0.003%). This variant has not been reported in the literature in individuals affected with POLG2-related conditions. ClinVar contains an entry for this variant (Variation ID: 1453764). For these reasons, this variant has been classified as Pathogenic.

Literature cited by the submitters: PubMed 28078310; PubMed 29625556.